The following is an entry in ClinVar:

NM_170784.3(MKKS):c.477A>G (p.Thr159=)

Gene: MKKS (MKKS centrosomal shuttling protein; minus strand). Cytogenetic location: 20p12.2.
Variant type: single nucleotide variant.
Coding change: c.477A>G on transcript NM_170784.3 (MANE Select); coding-DNA position 477, A replaced by G.
Protein change: p.Thr159=; no amino-acid change (threonine 159 retained).
Molecular consequence: synonymous variant.
Genome position (GRCh38, 1-based): chr20:10,413,038, T>C on the plus strand (A>G on the coding strand, the complement: MKKS is on the minus strand). VCF-style: chr20-10413038-T-C. GRCh37 (hg19) VCF-style: chr20-10393686-T-C.
Other names: c.477A>G, p.Thr159= (NM_018848.3).
Identifiers: ClinVar variation 3355579 (VCV003355579.1).

ClinVar aggregate classification (germline): Likely benign (0 of 4 stars; one submission).

Conditions:
MKKS-related disorder. Also called: MKKS-related condition; MKKS-related disorders.

gnomAD v4.1: 6 of 1,614,058 alleles (0.00037%); highest among the groups gnomAD compares: Non-Finnish European, 0.00051%; no homozygotes.

Submission:

PreventionGenetics, part of Exact Sciences
Classification: Likely benign for MKKS-related condition. Last evaluated: 2021-12-10. Review status: no assertion criteria provided. Collection method: clinical testing. Allele origin: germline.
Comment: This variant is classified as likely benign based on ACMG/AMP sequence variant interpretation guidelines (Richards et al. 2015 PMID: 25741868, with internal and published modifications).